The following is an entry in ClinVar:

ClinVar aggregate classification (germline): Likely benign (1 of 4 stars; one submission).

Allele frequency attached by ClinVar (database versions not stated): gnomAD exomes below 0.00001.
gnomAD v4.1: 1 of 1,591,640 alleles (0.000063%); highest among the groups gnomAD compares: Non-Finnish European, 0.000086%; no homozygotes.

Submission:

CeGaT Center for Human Genetics Tuebingen
Classification: Likely benign. Last evaluated: 2022-06-01. Review status: criteria provided, single submitter. Criteria: CeGaT Center For Human Genetics Tuebingen Variant Classification Criteria Version 2. Collection method: clinical testing. Allele origin: germline. Affected: yes. Observed: 1 variant allele.
Comment: SLC35C1: PM2:Supporting, BP4, BP7

NM_018389.5(SLC35C1):c.1020C>T (p.Val340=)

Gene: SLC35C1 (solute carrier family 35 member C1; plus strand). Cytogenetic location: 11p11.2.
Variant type: single nucleotide variant.
Coding change: c.1020C>T on transcript NM_018389.5 (MANE Select); coding-DNA position 1020, C replaced by T.
Protein change: p.Val340=; no amino-acid change (valine 340 retained).
Molecular consequence: synonymous variant.
Genome position (GRCh38, 1-based): chr11:45,811,260, C>T. VCF-style: chr11-45811260-C-T. GRCh37 (hg19) VCF-style: chr11-45832811-C-T.
Other names: c.981C>T, p.Val327= (NM_001145265.2, NM_001145266.2).
Identifiers: ClinVar variation 2641734 (VCV002641734.24), dbSNP rs2494707690, ClinGen allele CA474036772.
Genomic context (GRCh38, chr11:45,811,260, plus strand): 5'-CTTCCTCTGGTGGACGAGCAACATGATGGTGCTGGGCGGCTCCTCCGCCTACACCTGGGT[C>T]AGGGGCTGGGAGATGAAGAAGACTCCGGAGGAGCCCAGCCCCAAAGACAGCGAGAAGAGC-3'
Protein context (NP_060859.4, residues 330-350): VLGGSSAYTW[Val340=]RGWEMKKTPE